The following is an entry in ClinVar:

ClinVar aggregate classification (germline): Uncertain significance (1 of 4 stars; one submission).

Conditions:
Familial hypercholesterolemia. Also called: Familial hypercholesterolaemia. Identifiers: MedGen C0020445, MONDO:0005439.

gnomAD v4.1: 1 of 1,550,606 alleles (0.000064%); highest among the groups gnomAD compares: African/African-American, 0.0014%; no homozygotes.

Submission:

Color Diagnostics, LLC DBA Color Health
Classification: Uncertain significance for Familial hypercholesterolemia. Last evaluated: 2025-06-09. Review status: criteria provided, single submitter. Criteria: ACMG Guidelines, 2015. Collection method: clinical testing. Allele origin: germline.
Comment: This missense variant replaces valine with glycine at codon 558 of the PCSK9 protein. Computational prediction suggests that this variant may not impact protein structure and function. To our knowledge, functional studies have not been reported for this variant. This variant has not been reported in individuals affected with PCSK9-related disorders in the literature. This variant has not been identified in the general population by the Genome Aggregation Database (gnomAD). The available evidence is insufficient to determine the role of this variant in disease conclusively. Therefore, this variant is classified as a Variant of Uncertain Significance.

NM_174936.4(PCSK9):c.1673T>G (p.Val558Gly)

Gene: PCSK9 (proprotein convertase subtilisin/kexin type 9; plus strand). Cytogenetic location: 1p32.3.
Variant type: single nucleotide variant.
Coding change: c.1673T>G on transcript NM_174936.4 (MANE Select); coding-DNA position 1673, T replaced by G.
Protein change: p.Val558Gly; replaces valine 558 with glycine.
Molecular consequence: missense variant. On other transcripts: non-coding transcript variant (7), intron variant (1).
Genome position (GRCh38, 1-based): chr1:55,059,655, T>G. VCF-style: chr1-55059655-T-G. GRCh37 (hg19) VCF-style: chr1-55525328-T-G.
Other names: c.1796T>G, p.Val599Gly (NM_001407240.1); c.1715T>G, p.Val572Gly (NM_001407241.1); c.1676T>G, p.Val559Gly (NM_001407242.1); c.1616T>G, p.Val539Gly (NM_001407243.1); c.1499T>G, p.Val500Gly (NM_001407244.1); c.1481T>G, p.Val494Gly (NM_001407245.1); c.1298T>G, p.Val433Gly (NM_001407246.1); c.1181-1720T>G (NM_001407247.1); short protein forms V433G, V494G, V500G, V539G, V558G, V559G, V572G, V599G.
Identifiers: ClinVar variation 4758741 (VCV004758741.1).
Genomic context (GRCh38, chr1:55,059,655, plus strand): 5'-CAGCTCCACCAGCTGAGGCCAGCATGGGGACCCGTGTCCACTGCCACCAACAGGGCCACG[T>G]CCTCACAGGTAGGAGGCTGGGCTTGCCCTGGGGTGAGGAGGGGTCTCTTTCTCCTTATGC-3'
Protein context (NP_777596.2, residues 548-568): TRVHCHQQGH[Val558Gly]LTGCSSHWEV